The following is an entry in ClinVar:

NM_006019.4(TCIRG1):c.224C>A (p.Ala75Asp)

Gene: TCIRG1 (T cell immune regulator 1, ATPase H+ transporting V0 subunit a3; plus strand). Cytogenetic location: 11q13.2.
Variant type: single nucleotide variant.
Coding change: c.224C>A on transcript NM_006019.4 (MANE Select); coding-DNA position 224, C replaced by A.
Protein change: p.Ala75Asp; replaces alanine 75 with aspartic acid.
Molecular consequence: missense variant. On other transcripts: 5 prime UTR variant (1), intron variant (1).
Genome position (GRCh38, 1-based): chr11:68,042,670, C>A. VCF-style: chr11-68042670-C-A. GRCh37 (hg19) VCF-style: chr11-67810137-C-A.
Other names: c.-1026C>A (NM_001351059.2); c.224C>A, p.Ala75Asp (NM_001440552.1, NM_001440553.1, NM_001440554.1 and 9 more transcripts); c.182C>A, p.Ala61Asp (NM_001440555.1, NM_001440556.1, NM_001440563.1 and 2 more transcripts); c.118-276C>A (NM_001440565.1); short protein forms A75D, A61D.
Identifiers: ClinVar variation 4750278 (VCV004750278.1).

ClinVar aggregate classification (germline): Uncertain significance (1 of 4 stars; one submission).

Submission:

Labcorp Genetics (formerly Invitae), Labcorp
Classification: Uncertain significance. Last evaluated: 2025-07-19. Review status: criteria provided, single submitter. Criteria: Invitae Variant Classification Sherloc (09022015). Collection method: clinical testing. Allele origin: germline.
Comment: This sequence change replaces alanine, which is neutral and non-polar, with aspartic acid, which is acidic and polar, at codon 75 of the TCIRG1 protein (p.Ala75Asp). This variant is present in population databases (no rsID available, gnomAD 0.02%). This variant has not been reported in the literature in individuals affected with TCIRG1-related conditions. Invitae Evidence Modeling of protein sequence and biophysical properties (such as structural, functional, and spatial information, amino acid conservation, physicochemical variation, residue mobility, and thermodynamic stability) indicates that this missense variant is not expected to disrupt TCIRG1 protein function with a negative predictive value of 80%. In summary, the available evidence is currently insufficient to determine the role of this variant in disease. Therefore, it has been classified as a Variant of Uncertain Significance.